The following is an entry in ClinVar:

NM_000368.5(TSC1):c.2077G>C (p.Asp693His)

Gene: TSC1 (TSC complex subunit 1; minus strand). Cytogenetic location: 9q34.13.
Variant type: single nucleotide variant.
Coding change: c.2077G>C on transcript NM_000368.5 (MANE Select); coding-DNA position 2077, G replaced by C.
Protein change: p.Asp693His; replaces aspartic acid 693 with histidine.
Molecular consequence: missense variant.
Genome position (GRCh38, 1-based): chr9:132,903,782, C>G on the plus strand (G>C on the coding strand, the complement: TSC1 is on the minus strand). VCF-style: chr9-132903782-C-G. GRCh37 (hg19) VCF-style: chr9-135779169-C-G.
Other names: p.D693H:GAC>CAC; c.2074G>C, p.Asp692His (NM_001162426.2); c.1924G>C, p.Asp642His (NM_001162427.2); c.1714G>C, p.Asp572His (NM_001362177.2); short protein forms D693H, D572H, D642H, D692H.
Identifiers: ClinVar variation 64734 (VCV000064734.29), dbSNP rs397514800, ClinGen allele CA005916.

ClinVar aggregate classification (germline): Conflicting classifications of pathogenicity. Review status: criteria provided, conflicting classifications (1 of 4 stars). 10 submissions from 10 submitters: Uncertain significance (4); Benign (1); Likely benign (4). 1 of the submissions does not count toward it. Last evaluated 2026-01-20.

Conditions:
TSC1-related disorder. Also called: TSC1-related condition.
Hereditary cancer-predisposing syndrome. Also called: Hereditary Cancer Syndrome; Neoplastic Syndromes, Hereditary; Hereditary neoplastic syndrome; Tumor predisposition. Identifiers: Orphanet 140162, MedGen C0027672, MeSH D009386, MONDO:0015356.
Tuberous sclerosis syndrome (TSC). Also called: Tuberous Sclerosis Complex; Tuberous sclerosis. Identifiers: Orphanet 805, MedGen C0041341, MONDO:0001734.
Tuberous sclerosis 1 (TSC1). Identifiers: Orphanet 805, MedGen C1854465, MONDO:0008612, OMIM 191100.

Allele frequency attached by ClinVar (database versions not stated): gnomAD exomes below 0.00001 and 0.00002; ExAC 0.00002; gnomAD 0.00002; TOPMed 0.00003.
gnomAD v4.1: 38 of 1,613,860 alleles (0.0024%); highest among the groups gnomAD compares: African/African-American, 0.004%; no homozygotes.

Submissions (10):

Labcorp Genetics (formerly Invitae), Labcorp
Classification: Benign for Tuberous sclerosis 1. Last evaluated: 2026-01-20. Review status: criteria provided, single submitter. Criteria: Invitae Variant Classification Sherloc (09022015). Collection method: clinical testing. Allele origin: germline.

PreventionGenetics, part of Exact Sciences
Classification: Likely benign for TSC1-related condition. Last evaluated: 2025-07-28. Review status: criteria provided, single submitter. Criteria: ACMG Guidelines, 2015. Collection method: clinical testing. Allele origin: germline.
Comment: This variant is classified as likely benign based on ACMG/AMP sequence variant interpretation guidelines (Richards et al. 2015 PMID: 25741868, with internal and published modifications).

All of Us Research Program, National Institutes of Health
Classification: Uncertain significance for Tuberous sclerosis syndrome. Last evaluated: 2024-03-25. Review status: criteria provided, single submitter. Criteria: ACMG Guidelines, 2015. Collection method: clinical testing. Allele origin: germline. Inheritance: Autosomal dominant inheritance. Observed: 11 variant alleles, 11 heterozygotes.
Comment: This missense variant replaces aspartic acid with histidine at codon 693 of the TSC1 protein. Computational prediction suggests that this variant may not impact protein structure and function (internally defined REVEL score threshold <= 0.5, PMID: 27666373). A functional study has shown that the variant did not affect TSC1 stability, TSC1/TSC2 complex interaction or mTORC1 activity (PMID: 22161988). To our knowledge, this variant has not been reported in individuals affected with tuberous sclerosis complex in the literature. This variant has been identified in 1/251234 chromosomes in the general population by the Genome Aggregation Database (gnomAD). The available evidence is insufficient to determine the role of this variant in disease conclusively. Therefore, this variant is classified as a Variant of Uncertain Significance.

This study involves interpretation of variants in research participants for the purpose of population health screening. Participant phenotype was not available at the time of variant classification. Additional details can be found in publication PMID: 35346344, PMCID: PMC8962531

Color Diagnostics, LLC DBA Color Health
Classification: Uncertain significance for Tuberous sclerosis syndrome. Last evaluated: 2024-03-07. Review status: criteria provided, single submitter. Criteria: ACMG Guidelines, 2015. Collection method: clinical testing. Allele origin: germline.
Comment: This missense variant replaces aspartic acid with histidine at codon 693 of the TSC1 protein. Computational prediction suggests that this variant may not impact protein structure and function. A functional study has shown that the variant did not affect TSC1 stability, TSC1/TSC2 complex interaction or mTORC1 activity (PMID: 22161988). To our knowledge, this variant has not been reported in individuals affected with tuberous sclerosis complex in the literature. This variant has been identified in 1/251234 chromosomes in the general population by the Genome Aggregation Database (gnomAD). The available evidence is insufficient to determine the role of this variant in disease conclusively. Therefore, this variant is classified as a Variant of Uncertain Significance.

Sema4
Classification: Uncertain significance for Hereditary cancer-predisposing syndrome. Last evaluated: 2022-01-21. Review status: criteria provided, single submitter. Criteria: Sema4 Curation Guidelines. Collection method: curation. Allele origin: germline.
Comment: The TSC1 c.2077G>C (p.D693H) variant has not been reported in the literature, but it has been reported in 4 affected and 3 unaffected individuals of 1 family with tuberous sclerosis in the Leiden Open Variation Database (PMID 21520333). A functional study where the variant was expressed in HEK293T cells indicated normal expression and localization of the protein (PMID: 22161988). It was observed in 1/113546 chromosomes of the European (non-Finnish) subpopulation, in the large and broad cohorts of the Genome Aggregation Database (PMID: 32461654). This variant has been reported in ClinVar (Variation ID 64734). In silico predictions of the variant's effect on protein function are inconclusive. The overall evidence is inconsistent with ACMG/AMP requirements for a classification of benign or pathogenic. In summary, the clinical significance of this variant is currently uncertain.

Genome-Nilou Lab
Classification: Likely benign for Tuberous sclerosis 1. Last evaluated: 2021-11-07. Review status: criteria provided, single submitter. Criteria: ACMG Guidelines, 2015. Collection method: clinical testing. Allele origin: germline. Affected: no.

GeneDx
Classification: Likely benign. Last evaluated: 2020-04-07. Review status: criteria provided, single submitter. Criteria: GeneDx Variant Classification Process June 2021. Collection method: clinical testing. Allele origin: germline. Affected: yes.
Comment: This variant is associated with the following publications: (PMID: 22161988, 21309039)

Ambry Genetics
Classification: Likely benign for Hereditary cancer-predisposing syndrome. Last evaluated: 2018-09-17. Review status: criteria provided, single submitter. Criteria: Ambry Variant Classification Scheme 2023. Collection method: clinical testing. Allele origin: germline.

Eurofins Ntd Llc (ga)
Classification: Uncertain significance. Last evaluated: 2014-12-15. Review status: criteria provided, single submitter. Criteria: EGL Classification Definitions 2015. Collection method: clinical testing. Allele origin: germline. Observed: 1 variant allele, 1 heterozygote.

Tuberous sclerosis database (TSC1)
No classification provided. Condition: TSC. Review status: no classification provided. Criteria: Tuberous Sclerosis Database Assertion Criteria 2015. Collection method: curation. Allele origin: germline. Affected: yes. Not counted in ClinVar's aggregate classification.

Literature cited by the submitters: PubMed 22161988 (cited by 5 submitters); PubMed 21520333 (cited by Sema4).